The following is an entry in ClinVar:

ClinVar aggregate classification (germline): Uncertain significance. Review status: criteria provided, multiple submitters, no conflicts (2 of 4 stars). 2 submissions from 2 submitters: Uncertain significance (2). Last evaluated 2022-01-31.

Conditions:
Inborn genetic diseases. Identifiers: MedGen C0950123, MeSH D030342.
Hereditary spastic paraplegia 11. Also called: Autosomal recessive hereditary spastic paraplegia, mental impairment, and thin corpus callosum; SPASTIC PARAPLEGIA, AUTOSOMAL RECESSIVE, COMPLICATED, WITH THIN CORPUS CALLOSUM; SPASTIC PARAPLEGIA, AUTOSOMAL RECESSIVE, WITH MENTAL IMPAIRMENT AND THIN CORPUS CALLOSUM; Spastic paraplegia, mental retardation and thin corpus callosum; Spastic Paraplegia 11; Nakamura Osame syndrome. Identifiers: Orphanet 2822, MedGen C1858479, MONDO:0011445, OMIM 604360.

gnomAD v4.1: 23 of 1,614,116 alleles (0.0014%); highest among the groups gnomAD compares: Admixed American, 0.0083%; no homozygotes.

Submissions (2):

Ambry Genetics
Classification: Uncertain significance for Inborn genetic diseases. Last evaluated: 2022-01-31. Review status: criteria provided, single submitter. Criteria: Ambry Variant Classification Scheme 2023. Collection method: clinical testing. Allele origin: germline.

Labcorp Genetics (formerly Invitae), Labcorp
Classification: Uncertain significance for Hereditary spastic paraplegia 11. Last evaluated: 2021-12-02. Review status: criteria provided, single submitter. Criteria: Invitae Variant Classification Sherloc (09022015). Collection method: clinical testing. Allele origin: germline.
Comment: This sequence change replaces serine, which is neutral and polar, with proline, which is neutral and non-polar, at codon 1833 of the SPG11 protein (p.Ser1833Pro). This variant is present in population databases (rs766375553, gnomAD 0.009%). This variant has not been reported in the literature in individuals affected with SPG11-related conditions. Algorithms developed to predict the effect of missense changes on protein structure and function are either unavailable or do not agree on the potential impact of this missense change (SIFT: "Tolerated"; PolyPhen-2: "Probably Damaging"; Align-GVGD: "Class C0"). In summary, the available evidence is currently insufficient to determine the role of this variant in disease. Therefore, it has been classified as a Variant of Uncertain Significance.

NM_025137.4(SPG11):c.5497T>C (p.Ser1833Pro)

Gene: SPG11 (SPG11 vesicle trafficking associated, spatacsin; minus strand). Cytogenetic location: 15q21.1.
Variant type: single nucleotide variant.
Coding change: c.5497T>C on transcript NM_025137.4 (MANE Select); coding-DNA position 5497, T replaced by C.
Protein change: p.Ser1833Pro; replaces serine 1833 with proline.
Molecular consequence: missense variant.
Genome position (GRCh38, 1-based): chr15:44,584,183, A>G on the plus strand (T>C on the coding strand, the complement: SPG11 is on the minus strand). VCF-style: chr15-44584183-A-G. GRCh37 (hg19) VCF-style: chr15-44876381-A-G.
Other names: c.5497T>C (NM_025137.3); c.5497T>C, p.Ser1833Pro (NM_001160227.2); short protein forms S1833P.
Identifiers: ClinVar variation 1479215 (VCV001479215.4), dbSNP rs766375553, ClinGen allele CA7534397.